The following is an entry in ClinVar:

NM_001723.7(DST):c.6582A>C (p.Ala2194=)

Gene: DST (dystonin; minus strand). Cytogenetic location: 6p12.1.
Variant type: single nucleotide variant.
Coding change: c.6582A>C on transcript NM_001723.7 (MANE Plus Clinical); coding-DNA position 6582, A replaced by C.
Protein change: p.Ala2194=; no amino-acid change (alanine 2194 retained).
Molecular consequence: synonymous variant. On other transcripts: intron variant (10).
Genome position (GRCh38, 1-based): chr6:56,616,885, T>G on the plus strand (A>C on the coding strand, the complement: DST is on the minus strand). VCF-style: chr6-56616885-T-G. GRCh37 (hg19) VCF-style: chr6-56481683-T-G.
Other names: c.4831-2401A>C (NM_001144769.5); c.4930-2401A>C (NM_001374722.1, NM_001374736.1); c.4957-2401A>C (NM_001374734.1); c.4417-2401A>C (NM_001144770.2); c.4297-2401A>C (NM_001374730.1, NM_001386100.1, NM_183380.4 and 1 more transcripts); c.3319-2401A>C (NM_015548.5).
Identifiers: ClinVar variation 357556 (VCV000357556.62), dbSNP rs149007397, ClinGen allele CA3870133.
Genomic context (GRCh38, chr6:56,616,885, plus strand): 5'-TGCCTTCTCTGCCTCAAGAAGCCTAATTCTGAATTCGGGGTCAACAACTCCTTTAAGAAC[T>G]GCATCTTCAACAGAATATGTCTGACCTGAAATGGGATCAATTATAAAACCTGTTGCAGCC-3'
Protein context (NP_001714.1, residues 2184-2204): ISGQTYSVED[Ala2194=]VLKGVVDPEF

ClinVar aggregate classification (germline): Benign/Likely benign. Review status: criteria provided, multiple submitters, no conflicts (2 of 4 stars). 4 submissions from 4 submitters: Benign (1); Likely benign (2). 1 of the submissions does not count toward it. Last evaluated 2026-01-06.

Conditions:
Hereditary sensory and autonomic neuropathy type 6. Also called: Neuropathy, hereditary sensory and autonomic, type VI; HSAN VI. Identifiers: Orphanet 314381, MedGen C3539003, MONDO:0013839, OMIM 614653.
Epidermolysis bullosa simplex 3, localized or generalized intermediate, with BP230 deficiency (EBS3). Also called: Epidermolysis bullosa simplex due to BP230 deficiency; Epidermolysis bullosa simplex, autosomal recessive 2. Identifiers: Orphanet 412181, MedGen C3809470, MONDO:0014180, OMIM 615425.
DST-related disorder. Also called: DST-related condition; DST-related disorders.

Allele frequency attached by ClinVar (database versions not stated): gnomAD exomes 0.00035 and 0.00066; ExAC 0.00047; ESP Exome Variant Server 0.00062; 1000 Genomes Project 30x 0.00078; 1000 Genomes Project 0.00100; gnomAD 0.00109 and 0.00115; TOPMed 0.00112.
gnomAD v4.1: 727 of 1,613,858 alleles (0.045%); highest among the groups gnomAD compares: African/African-American, 0.26%; 3 homozygotes.

Submissions (4):

Labcorp Genetics (formerly Invitae), Labcorp
Classification: Benign for Epidermolysis bullosa simplex 3, localized or generalized intermediate, with BP230 deficiency; Hereditary sensory and autonomic neuropathy type 6. Last evaluated: 2026-01-06. Review status: criteria provided, single submitter. Criteria: Invitae Variant Classification Sherloc (09022015). Collection method: clinical testing. Allele origin: germline.

Blueprint Genetics
Classification: Likely benign. Last evaluated: 2024-07-19. Review status: criteria provided, single submitter. Criteria: ACMG Guidelines, 2015. Collection method: clinical testing. Allele origin: germline.

CeGaT Center for Human Genetics Tuebingen
Classification: Likely benign. Last evaluated: 2024-04-01. Review status: criteria provided, single submitter. Criteria: CeGaT Center For Human Genetics Tuebingen Variant Classification Criteria Version 2. Collection method: clinical testing. Allele origin: germline. Affected: yes. Observed: 3 variant alleles.
Comment: DST: BP4, BP7

PreventionGenetics, part of Exact Sciences
Classification: Benign for DST-related condition. Last evaluated: 2020-02-18. Review status: no assertion criteria provided. Collection method: clinical testing. Allele origin: germline. Not counted in ClinVar's aggregate classification.
Comment: This variant is classified as benign based on ACMG/AMP sequence variant interpretation guidelines (Richards et al. 2015 PMID: 25741868, with internal and published modifications).